The following is an entry in ClinVar:

NM_139319.3(SLC17A8):c.164dup (p.Gln56fs)

Gene: SLC17A8 (solute carrier family 17 member 8; plus strand). Cytogenetic location: 12q23.1.
Variant type: Duplication.
Coding change: c.164dup on transcript NM_139319.3 (MANE Select); coding-DNA position 164, one base duplicated (T; older notation c.164dupT).
Protein change: p.Gln56fs; shifts the reading frame from glutamine 56.
Molecular consequence: frameshift variant.
Genome position (GRCh38, 1-based): chr12:100,380,763, T duplicated. VCF-style (leftmost placement, unchanged base first): chr12-100380762-G-GT. GRCh37 (hg19) VCF-style: chr12-100774540-G-GT.
Other names: c.164dup, p.Gln56fs (NM_001145288.2); short protein forms Q56fs.
Identifiers: ClinVar variation 3638726 (VCV003638726.2).

ClinVar aggregate classification (germline): Uncertain significance (1 of 4 stars; one submission).

Submission:

Labcorp Genetics (formerly Invitae), Labcorp
Classification: Uncertain significance. Last evaluated: 2025-01-19. Review status: criteria provided, single submitter. Criteria: Invitae Variant Classification Sherloc (09022015). Collection method: clinical testing. Allele origin: germline.
Comment: This sequence change creates a premature translational stop signal (p.Gln56Alafs*52) in the SLC17A8 gene. It is expected to result in an absent or disrupted protein product. However, the current clinical and genetic evidence is not sufficient to establish whether loss-of-function variants in SLC17A8 cause disease. This variant is present in population databases (rs767479321, gnomAD 0.002%). This variant has not been reported in the literature in individuals affected with SLC17A8-related conditions. In summary, the available evidence is currently insufficient to determine the role of this variant in disease. Therefore, it has been classified as a Variant of Uncertain Significance.